The following is an entry in ClinVar:

NM_004100.5(EYA4):c.1276T>A (p.Leu426Ile)

Genes: EYA4 (EYA transcriptional coactivator and phosphatase 4; plus strand), TARID (TCF21 antisense RNA inducing promoter demethylation; minus strand), LOC126859796 (MED14-independent group 3 enhancer GRCh37_chr6:133826289-133827488; plus strand). Cytogenetic location: 6q23.2.
Variant type: single nucleotide variant.
Coding change: c.1276T>A on transcript NM_004100.5 (MANE Select); coding-DNA position 1276, T replaced by A.
Protein change: p.Leu426Ile; replaces leucine 426 with isoleucine.
Molecular consequence: missense variant. On other transcripts: non-coding transcript variant (1).
Genome position (GRCh38, 1-based): chr6:133,506,190, T>A. VCF-style: chr6-133506190-T-A. GRCh37 (hg19) VCF-style: chr6-133827328-T-A.
Other names: c.1114T>A, p.Leu372Ile (NM_001301012.2); c.1294T>A, p.Leu432Ile (NM_001301013.2); c.1207T>A, p.Leu403Ile (NM_001370458.1, NM_172103.4); c.1132T>A, p.Leu378Ile (NM_001370459.1); c.1276T>A, p.Leu426Ile (NM_172105.4); short protein forms L378I, L432I, L372I, L403I, L426I.
Identifiers: ClinVar variation 2448322 (VCV002448322.5), dbSNP rs1798604659, ClinGen allele CA365713758.

ClinVar aggregate classification (germline): Uncertain significance. Review status: criteria provided, multiple submitters, no conflicts (2 of 4 stars). 2 submissions from 2 submitters: Uncertain significance (2). Last evaluated 2024-03-24.

Conditions:
Cardiovascular phenotype. Identifiers: MedGen CN230736.
Dilated cardiomyopathy 1J (CMD1J). Also called: CARDIOMYOPATHY, DILATED, WITH SENSORINEURAL HEARING LOSS, AUTOSOMAL DOMINANT. Identifiers: Orphanet 217622, MedGen C1854368, MONDO:0011541, OMIM 605362.

Allele frequency attached by ClinVar (database versions not stated): gnomAD 0.00001.

Submissions (2):

Labcorp Genetics (formerly Invitae), Labcorp
Classification: Uncertain significance for Dilated cardiomyopathy 1J. Last evaluated: 2024-03-24. Review status: criteria provided, single submitter. Criteria: Invitae Variant Classification Sherloc (09022015). Collection method: clinical testing. Allele origin: germline.
Comment: This sequence change replaces leucine, which is neutral and non-polar, with isoleucine, which is neutral and non-polar, at codon 426 of the EYA4 protein (p.Leu426Ile). This variant is not present in population databases (gnomAD no frequency). This variant has not been reported in the literature in individuals affected with EYA4-related conditions. ClinVar contains an entry for this variant (Variation ID: 2448322). Advanced modeling of protein sequence and biophysical properties (such as structural, functional, and spatial information, amino acid conservation, physicochemical variation, residue mobility, and thermodynamic stability) performed at Invitae indicates that this missense variant is not expected to disrupt EYA4 protein function with a negative predictive value of 80%. In summary, the available evidence is currently insufficient to determine the role of this variant in disease. Therefore, it has been classified as a Variant of Uncertain Significance.

Ambry Genetics
Classification: Uncertain significance for Cardiovascular phenotype. Last evaluated: 2023-02-10. Review status: criteria provided, single submitter. Criteria: Ambry Variant Classification Scheme 2023. Collection method: clinical testing. Allele origin: germline.
Comment: The p.L426I variant (also known as c.1276T>A), located in coding exon 13 of the EYA4 gene, results from a T to A substitution at nucleotide position 1276. The leucine at codon 426 is replaced by isoleucine, an amino acid with highly similar properties. This amino acid position is conserved. In addition, the in silico prediction for this alteration is inconclusive. Since supporting evidence is limited at this time, the clinical significance of this alteration remains unclear.